The following is an entry in ClinVar:

ClinVar aggregate classification (germline): Uncertain significance (1 of 4 stars; one submission).

Submission:

GeneDx
Classification: Uncertain significance. Last evaluated: 2026-02-07. Review status: criteria provided, single submitter. Criteria: GeneDx Variant Classification Process June 2021. Collection method: clinical testing. Allele origin: germline.
Comment: Not observed at significant frequency in large population cohorts (gnomAD); In silico analysis supports that this missense variant has a deleterious effect on protein structure/function; Has not been previously published as pathogenic or benign to our knowledge

NM_002911.4(UPF1):c.3189G>T (p.Gln1063His)

Gene: UPF1 (UPF1 RNA helicase and ATPase; plus strand). Cytogenetic location: 19p13.11.
Variant type: single nucleotide variant.
Coding change: c.3189G>T on transcript NM_002911.4 (MANE Select); coding-DNA position 3189, G replaced by T.
Protein change: p.Gln1063His; replaces glutamine 1063 with histidine.
Molecular consequence: missense variant.
Genome position (GRCh38, 1-based): chr19:18,865,730, G>T. VCF-style: chr19-18865730-G-T. GRCh37 (hg19) VCF-style: chr19-18976539-G-T.
Other names: c.3222G>T, p.Gln1074His (NM_001297549.2); short protein forms Q1063H, Q1074H.
Identifiers: ClinVar variation 4975963 (VCV004975963.1).
Genomic context (GRCh38, chr19:18,865,730, plus strand): 5'-TGTGGCGTCACAGCCCTTCTCTCAGGGCGCCCTGACGCAGGGCTACATCTCCATGAGCCA[G>T]CCTTCCCAGATGAGCCAGCCCGGCCTCTCCCAGCCGGAGCTGTCCCAGGTGAGCCCGCCC-3'
Protein context (NP_002902.2, residues 1053-1073): ALTQGYISMS[Gln1063His]PSQMSQPGLS